The following is an entry in ClinVar:

NM_001015877.2(PHF6):c.7A>G (p.Ser3Gly)

Gene: PHF6 (PHD finger protein 6; plus strand). Cytogenetic location: Xq26.2.
Variant type: single nucleotide variant.
Coding change: c.7A>G on transcript NM_001015877.2 (MANE Select); coding-DNA position 7, A replaced by G.
Protein change: p.Ser3Gly; replaces serine 3 with glycine.
Molecular consequence: missense variant.
Genome position (GRCh38, 1-based): chrX:134,377,624, A>G. VCF-style: chrX-134377624-A-G. GRCh37 (hg19) VCF-style: chrX-133511654-A-G.
Other names: c.7A>G, p.Ser3Gly (NM_032335.3, NM_032458.3); short protein forms S3G.
Identifiers: ClinVar variation 4733557 (VCV004733557.1).

ClinVar aggregate classification (germline): Uncertain significance (1 of 4 stars; one submission).

Conditions:
Borjeson-Forssman-Lehmann syndrome (BFLS). Also called: MENTAL RETARDATION, X-LINKED, SYNDROMIC, BORJESON-FORSSMAN-LEHMANN TYPE; MENTAL RETARDATION, EPILEPSY, AND ENDOCRINE DISORDERS; BORJESON SYNDROME. Identifiers: Orphanet 127, MedGen C0265339, MONDO:0010537, OMIM 301900.

Submission:

Labcorp Genetics (formerly Invitae), Labcorp
Classification: Uncertain significance for Borjeson-Forssman-Lehmann syndrome. Last evaluated: 2025-12-17. Review status: criteria provided, single submitter. Criteria: Invitae Variant Classification Sherloc (09022015). Collection method: clinical testing. Allele origin: germline.
Comment: This sequence change replaces serine, which is neutral and polar, with glycine, which is neutral and non-polar, at codon 3 of the PHF6 protein (p.Ser3Gly). This variant is not present in population databases (gnomAD no frequency). This variant has not been reported in the literature in individuals affected with PHF6-related conditions. An algorithm developed to predict the effect of missense changes on protein structure and function (PolyPhen-2) suggests that this variant is likely to be tolerated. In summary, the available evidence is currently insufficient to determine the role of this variant in disease. Therefore, it has been classified as a Variant of Uncertain Significance.